The following is an entry in ClinVar:

NM_000038.6(APC):c.4804C>G (p.Pro1602Ala)

Gene: APC (APC regulator of Wnt signaling pathway; plus strand). Cytogenetic location: 5q22.2.
Variant type: single nucleotide variant.
Coding change: c.4804C>G on transcript NM_000038.6 (MANE Select); coding-DNA position 4804, C replaced by G.
Protein change: p.Pro1602Ala; replaces proline 1602 with alanine.
Molecular consequence: missense variant.
Genome position (GRCh38, 1-based): chr5:112,840,398, C>G. VCF-style: chr5-112840398-C-G. GRCh37 (hg19) VCF-style: chr5-112176095-C-G.
Other names: c.4804C>G, p.Pro1602Ala (NM_001127510.3, NM_001354895.2); c.4750C>G, p.Pro1584Ala (NM_001127511.3); c.4858C>G, p.Pro1620Ala (NM_001354896.2); c.4834C>G, p.Pro1612Ala (NM_001354897.2); c.4729C>G, p.Pro1577Ala (NM_001354898.2); c.4720C>G, p.Pro1574Ala (NM_001354899.2); c.4681C>G, p.Pro1561Ala (NM_001354900.2); c.4627C>G, p.Pro1543Ala (NM_001354901.2); and 5 more; short protein forms P1442A, P1501A, P1620A, P1476A, P1561A, P1602A, P1319A, P1574A.
Identifiers: ClinVar variation 957903 (VCV000957903.12), dbSNP rs1408572186, ClinGen allele CA16031860.

ClinVar aggregate classification (germline): Uncertain significance. Review status: criteria provided, multiple submitters, no conflicts (2 of 4 stars). 2 submissions from 2 submitters: Uncertain significance (2). Last evaluated 2023-10-28.

Conditions:
Hereditary cancer-predisposing syndrome. Also called: Tumor predisposition; Hereditary neoplastic syndrome; Neoplastic Syndromes, Hereditary; Hereditary Cancer Syndrome. Identifiers: Orphanet 140162, MedGen C0027672, MeSH D009386, MONDO:0015356.
Familial adenomatous polyposis 1 (FAP1). Also called: POLYPOSIS, ADENOMATOUS INTESTINAL; FAMILIAL ADENOMATOUS POLYPOSIS 1, ATTENUATED. Identifiers: MedGen C2713442, MONDO:0021056, OMIM 175100. Disease mechanism: loss of function.

Submissions (2):

Ambry Genetics
Classification: Uncertain significance for Hereditary cancer-predisposing syndrome. Last evaluated: 2023-10-28. Review status: criteria provided, single submitter. Criteria: Ambry Variant Classification Scheme 2023. Collection method: clinical testing. Allele origin: germline.
Comment: The p.P1602A variant (also known as c.4804C>G), located in coding exon 15 of the APC gene, results from a C to G substitution at nucleotide position 4804. The proline at codon 1602 is replaced by alanine, an amino acid with highly similar properties. This amino acid position is conserved. In addition, in silico predictors for this gene do not accurately predict pathogenicity. Since supporting evidence is limited at this time, the clinical significance of this alteration remains unclear.

Labcorp Genetics (formerly Invitae), Labcorp
Classification: Uncertain significance for Familial adenomatous polyposis 1. Last evaluated: 2019-11-06. Review status: criteria provided, single submitter. Criteria: Invitae Variant Classification Sherloc (09022015). Collection method: clinical testing. Allele origin: germline.
Comment: Algorithms developed to predict the effect of sequence changes on RNA splicing suggest that this variant may create or strengthen a splice site, but this prediction has not been confirmed by published transcriptional studies. In summary, the available evidence is currently insufficient to determine the role of this variant in disease. Therefore, it has been classified as a Variant of Uncertain Significance. This variant is not present in population databases (ExAC no frequency). This variant has not been reported in the literature in individuals with APC-related conditions. Algorithms developed to predict the effect of missense changes on protein structure and function (SIFT, PolyPhen-2, Align-GVGD) all suggest that this variant is likely to be disruptive, but these predictions have not been confirmed by published functional studies and their clinical significance is uncertain. This sequence change replaces proline with alanine at codon 1602 of the APC protein (p.Pro1602Ala). The proline residue is highly conserved and there is a small physicochemical difference between proline and alanine.